The following is an entry in ClinVar:

ClinVar aggregate classification (germline): Uncertain significance (1 of 4 stars; one submission).

Submission:

GeneDx
Classification: Uncertain significance. Last evaluated: 2022-11-01. Review status: criteria provided, single submitter. Criteria: GeneDx Variant Classification Process June 2021. Collection method: clinical testing. Allele origin: germline. Affected: yes.
Comment: Not observed at significant frequency in large population cohorts (gnomAD); In-frame insertion of 3 amino acids in a non-repeat region; Has not been previously published as pathogenic or benign to our knowledge

NM_024496.4(IRF2BPL):c.1138_1146dup (p.Leu382_Ala383insLeuThrLeu)

Gene: IRF2BPL (interferon regulatory factor 2 binding protein like; minus strand). Cytogenetic location: 14q24.3.
Variant type: Duplication.
Coding change: c.1138_1146dup on transcript NM_024496.4 (MANE Select); coding-DNA positions 1138 to 1146, 9 bases duplicated (CTCACGCTG; older notation c.1138_1146dupCTCACGCTG).
Protein change: p.Leu382_Ala383insLeuThrLeu.
Molecular consequence: inframe insertion.
Genome position (GRCh38, 1-based): chr14:77,026,647-77,026,655, CAGCGTGAG duplicated on the plus strand (CTCACGCTG on the coding strand, the reverse complement: IRF2BPL is on the minus strand); duplicating any 9 consecutive bases within chr14:77,026,647-77,026,662 gives the same sequence; the c. name uses the placement nearest the transcript's 3' end. VCF-style (leftmost placement, unchanged base first): chr14-77026646-C-CCAGCGTGAG. GRCh37 (hg19) VCF-style: chr14-77492989-C-CCAGCGTGAG.
Identifiers: ClinVar variation 2500572 (VCV002500572.1), dbSNP rs2503076435, ClinGen allele CA2580088796.